The following is an entry in ClinVar:

Conditions:
Long QT syndrome 5 (LQT5). Identifiers: Orphanet 101016, Orphanet 768, MedGen C1867904, MONDO:0013372, OMIM 613695.

Submission:

Roden Lab, Vanderbilt University Medical Center
No classification provided (evidence only). Condition: Long QT syndrome 5. Review status: no classification provided. Collection method: in vitro. Allele origin: not applicable. Functional consequence: Effect on ion channel function.
ClinVar note: "not provided" was previously submitted as the classification for the variant. However, the classification appeared to be based only on an observation of functional data so it was converted to no classification on 2025-07-30.

NM_000219.6(KCNE1):c.380C>G (p.Pro127Arg)

Gene: KCNE1 (potassium voltage-gated channel subfamily E regulatory subunit 1; minus strand). Cytogenetic location: 21q22.12.
Variant type: single nucleotide variant.
Coding change: c.380C>G on transcript NM_000219.6 (MANE Select); coding-DNA position 380, C replaced by G.
Protein change: p.Pro127Arg; replaces proline 127 with arginine.
Molecular consequence: missense variant.
Genome position (GRCh38, 1-based): chr21:34,449,255, G>C on the plus strand (C>G on the coding strand, the complement: KCNE1 is on the minus strand). VCF-style: chr21-34449255-G-C. GRCh37 (hg19) VCF-style: chr21-35821553-G-C.
Other names: c.380C>G, p.Pro127Arg (NM_001127668.4, NM_001127669.4, NM_001127670.4 and 4 more transcripts); short protein forms P127R.
Identifiers: ClinVar variation 3373868 (VCV003373868.2).